The following is an entry in ClinVar:

NM_006231.4(POLE):c.3306G>C (p.Glu1102Asp)

Gene: POLE (DNA polymerase epsilon, catalytic subunit; minus strand). Cytogenetic location: 12q24.33.
Variant type: single nucleotide variant.
Coding change: c.3306G>C on transcript NM_006231.4 (MANE Select); coding-DNA position 3306, G replaced by C.
Protein change: p.Glu1102Asp; replaces glutamic acid 1102 with aspartic acid.
Molecular consequence: missense variant.
Genome position (GRCh38, 1-based): chr12:132,657,940, C>G on the plus strand (G>C on the coding strand, the complement: POLE is on the minus strand). VCF-style: chr12-132657940-C-G. GRCh37 (hg19) VCF-style: chr12-133234526-C-G.
Other names: short protein forms E1102D.
Identifiers: ClinVar variation 1044982 (VCV001044982.9), dbSNP rs765574111, ClinGen allele CA387389747.

ClinVar aggregate classification (germline): Uncertain significance. Review status: criteria provided, multiple submitters, no conflicts (2 of 4 stars). 2 submissions from 2 submitters: Uncertain significance (2). Last evaluated 2021-09-07.

Submissions (2):

Labcorp Genetics (formerly Invitae), Labcorp
Classification: Uncertain significance. Last evaluated: 2021-09-07. Review status: criteria provided, single submitter. Criteria: Invitae Variant Classification Sherloc (09022015). Collection method: clinical testing. Allele origin: germline.
Comment: In summary, the available evidence is currently insufficient to determine the role of this variant in disease. Therefore, it has been classified as a Variant of Uncertain Significance. Algorithms developed to predict the effect of missense changes on protein structure and function are either unavailable or do not agree on the potential impact of this missense change (SIFT: "Tolerated"; PolyPhen-2: "Possibly Damaging"; Align-GVGD: "Class C0"). This variant has not been reported in the literature in individuals affected with POLE-related conditions. This variant is not present in population databases (ExAC no frequency). This sequence change replaces glutamic acid with aspartic acid at codon 1102 of the POLE protein (p.Glu1102Asp). The glutamic acid residue is highly conserved and there is a small physicochemical difference between glutamic acid and aspartic acid.

Revvity Omics, Revvity
Classification: Uncertain significance. Last evaluated: 2021-08-13. Review status: criteria provided, single submitter. Criteria: ACMG Guidelines, 2015. Collection method: clinical testing. Allele origin: germline.